The following is an entry in ClinVar:

ClinVar aggregate classification (germline): Pathogenic. Review status: criteria provided, multiple submitters, no conflicts (2 of 4 stars). 3 submissions from 3 submitters: Pathogenic (3). Last evaluated 2025-03-12.

Conditions:
Arginase deficiency. Also called: ARGININEMIA; ARG1 DEFICIENCY; Arginase 1 Deficiency. Identifiers: Orphanet 90, MedGen C0268548, MONDO:0008814, OMIM 207800.

Allele frequency attached by ClinVar (database versions not stated): TOPMed below 0.00001; ExAC 0.00001.

Submissions (3):

Myriad Genetics, Inc.
Classification: Pathogenic for Arginase deficiency. Last evaluated: 2025-03-12. Review status: criteria provided, single submitter. Criteria: Myriad Autosomal Dominant, Autosomal Recessive and X-Linked Classification Criteria (2023). Collection method: clinical testing. Allele origin: unknown.
Comment: NM_000045.3(ARG1):c.124G>T(E42*) is a nonsense variant classified as pathogenic in the context of argininemia. E42* has been observed in a case with relevant disease (PMID: 28089752). Relevant functional assessments of this variant are not available in the literature. E42* has not been observed in referenced population frequency databases. In summary, NM_000045.3(ARG1):c.124G>T(E42*) is a nonsense variant that has been observed more frequently in cases with the relevant disease than in healthy populations. Please note: this variant was assessed in the context of healthy population screening.

Labcorp Genetics (formerly Invitae), Labcorp
Classification: Pathogenic for Arginase deficiency. Last evaluated: 2023-12-11. Review status: criteria provided, single submitter. Criteria: Invitae Variant Classification Sherloc (09022015). Collection method: clinical testing. Allele origin: germline.
Comment: This sequence change creates a premature translational stop signal (p.Glu42*) in the ARG1 gene. It is expected to result in an absent or disrupted protein product. Loss-of-function variants in ARG1 are known to be pathogenic (PMID: 7649538, 12052859). This variant is not present in population databases (gnomAD no frequency). This premature translational stop signal has been observed in individual(s) with argininemia (PMID: 28089752). ClinVar contains an entry for this variant (Variation ID: 1385981). Algorithms developed to predict the effect of sequence changes on RNA splicing suggest that this variant may disrupt the consensus splice site. For these reasons, this variant has been classified as Pathogenic.

Baylor Genetics
Classification: Pathogenic for Arginase deficiency. Last evaluated: 2023-09-30. Review status: criteria provided, single submitter. Criteria: ACMG Guidelines, 2015. Collection method: clinical testing. Allele origin: unknown.

Literature cited by the submitters: PubMed 28089752 (cited by Myriad Genetics, Inc. and Labcorp Genetics (formerly Invitae), Labcorp); PubMed 7649538 (cited by Labcorp Genetics (formerly Invitae), Labcorp); PubMed 12052859 (cited by Labcorp Genetics (formerly Invitae), Labcorp).

NM_000045.4(ARG1):c.124G>T (p.Glu42Ter)

Genes: ARG1 (arginase 1; plus strand), MED23 (mediator complex subunit 23; minus strand). Cytogenetic location: 6q23.2.
Variant type: single nucleotide variant.
Coding change: c.124G>T on transcript NM_000045.4 (MANE Select); coding-DNA position 124, G replaced by T.
Protein change: p.Glu42Ter; replaces glutamic acid 42 with a stop codon.
Molecular consequence: nonsense. On other transcripts: intron variant (2).
Genome position (GRCh38, 1-based): chr6:131,576,729, G>T. VCF-style: chr6-131576729-G-T. GRCh37 (hg19) VCF-style: chr6-131897869-G-T.
Other names: c.124G>T, p.Glu42Ter (NM_001244438.2, NM_001369020.1); c.4078-2434C>A (NM_001270521.2); c.4096-2434C>A (NM_015979.4); short protein forms E42*.
Identifiers: ClinVar variation 1385981 (VCV001385981.10), dbSNP rs748744950, ClinGen allele CA3999173.